The following is an entry in ClinVar:

NM_001378615.1(CC2D2A):c.1193G>A (p.Gly398Glu)

Genes: CC2D2A (coiled-coil and C2 domain containing 2A; plus strand), FBXL5 (F-box and leucine rich repeat protein 5; minus strand). Cytogenetic location: 4p15.32.
Variant type: single nucleotide variant.
Coding change: c.1193G>A on transcript NM_001378615.1 (MANE Select); coding-DNA position 1193, G replaced by A.
Protein change: p.Gly398Glu; replaces glycine 398 with glutamic acid.
Molecular consequence: missense variant.
Genome position (GRCh38, 1-based): chr4:15,527,490, G>A. VCF-style: chr4-15527490-G-A. GRCh37 (hg19) VCF-style: chr4-15529113-G-A.
Other names: c.1193G>A, p.Gly398Glu (NM_001080522.2); c.1046G>A, p.Gly349Glu (NM_001378617.1); short protein forms G349E, G398E.
Identifiers: ClinVar variation 1040022 (VCV001040022.10), dbSNP rs200429882, ClinGen allele CA2863614.

ClinVar aggregate classification (germline): Conflicting classifications of pathogenicity. Review status: criteria provided, conflicting classifications (1 of 4 stars). 2 submissions from 2 submitters: Uncertain significance (1); Likely benign (1). Last evaluated 2026-01-11.

Conditions:
Joubert syndrome. Also called: JOUBERT-BOLTSHAUSER SYNDROME; Familial aplasia of the vermis. Identifiers: Orphanet 475, MedGen C5979921, MONDO:0018772.
Meckel-Gruber syndrome. Also called: Dysencephalia splachnocystica; DYSENCEPHALIA SPLANCHNOCYSTICA; GRUBER SYNDROME. Identifiers: Orphanet 564, MedGen C0265215, MONDO:0018921.
CC2D2A-related disorder. Also called: CC2D2A-related condition; CC2D2A-related disorders. Identifiers: MedGen CN239313.

Allele frequency attached by ClinVar (database versions not stated): TOPMed 0.00002; gnomAD 0.00005; gnomAD exomes 0.00009; ExAC 0.00012.
gnomAD v4.1: 93 of 1,613,634 alleles (0.0058%); highest among the groups gnomAD compares: Non-Finnish European, 0.0018%; no homozygotes.

Submissions (2):

Labcorp Genetics (formerly Invitae), Labcorp
Classification: Likely benign for Joubert syndrome; Meckel-Gruber syndrome. Last evaluated: 2026-01-11. Review status: criteria provided, single submitter. Criteria: Invitae Variant Classification Sherloc (09022015). Collection method: clinical testing. Allele origin: germline.

PreventionGenetics, part of Exact Sciences
Classification: Uncertain significance for CC2D2A-related condition. Last evaluated: 2025-11-19. Review status: criteria provided, single submitter. Criteria: ACMG Guidelines, 2015. Collection method: clinical testing. Allele origin: germline.
Comment: The CC2D2A c.1193G>A variant is predicted to result in the amino acid substitution p.Gly398Glu. To our knowledge, this variant has not been reported in the literature. This variant is reported in 0.068% of alleles in individuals of European (Finnish) descent in gnomAD. Although we suspect that this variant may be benign, at this time, the clinical significance of this variant is uncertain due to the absence of conclusive functional and genetic evidence.